The following is an entry in ClinVar:

ClinVar aggregate classification (germline): Uncertain significance (1 of 4 stars; one submission).

Submission:

Labcorp Genetics (formerly Invitae), Labcorp
Classification: Uncertain significance. Last evaluated: 2024-12-17. Review status: criteria provided, single submitter. Criteria: Invitae Variant Classification Sherloc (09022015). Collection method: clinical testing. Allele origin: germline.
Comment: This sequence change replaces valine, which is neutral and non-polar, with leucine, which is neutral and non-polar, at codon 1845 of the DCHS1 protein (p.Val1845Leu). This variant is not present in population databases (gnomAD no frequency). This variant has not been reported in the literature in individuals affected with DCHS1-related conditions. Invitae Evidence Modeling of protein sequence and biophysical properties (such as structural, functional, and spatial information, amino acid conservation, physicochemical variation, residue mobility, and thermodynamic stability) indicates that this missense variant is not expected to disrupt DCHS1 protein function with a negative predictive value of 80%. In summary, the available evidence is currently insufficient to determine the role of this variant in disease. Therefore, it has been classified as a Variant of Uncertain Significance.

NM_003737.4(DCHS1):c.5533G>T (p.Val1845Leu)

Gene: DCHS1 (dachsous cadherin-related 1; minus strand). Cytogenetic location: 11p15.4.
Variant type: single nucleotide variant.
Coding change: c.5533G>T on transcript NM_003737.4 (MANE Select); coding-DNA position 5533, G replaced by T.
Protein change: p.Val1845Leu; replaces valine 1845 with leucine.
Molecular consequence: missense variant.
Genome position (GRCh38, 1-based): chr11:6,627,506, C>A on the plus strand (G>T on the coding strand, the complement: DCHS1 is on the minus strand). VCF-style: chr11-6627506-C-A. GRCh37 (hg19) VCF-style: chr11-6648737-C-A.
Other names: short protein forms V1845L.
Identifiers: ClinVar variation 3714869 (VCV003714869.2).